The following is an entry in ClinVar:

NM_002337.4(LRPAP1):c.805C>T (p.Leu269Phe)

Gene: LRPAP1 (LDL receptor related protein associated protein 1; minus strand). Cytogenetic location: 4p16.3.
Variant type: single nucleotide variant.
Coding change: c.805C>T on transcript NM_002337.4 (MANE Select); coding-DNA position 805, C replaced by T.
Protein change: p.Leu269Phe; replaces leucine 269 with phenylalanine.
Molecular consequence: missense variant. On other transcripts: non-coding transcript variant (1).
Genome position (GRCh38, 1-based): chr4:3,516,145, G>A on the plus strand (C>T on the coding strand, the complement: LRPAP1 is on the minus strand). VCF-style: chr4-3516145-G-A. GRCh37 (hg19) VCF-style: chr4-3517872-G-A.
Other names: short protein forms L269F.
Identifiers: ClinVar variation 3120352 (VCV003120352.2), dbSNP rs763387331, ClinGen allele CA2829836.

ClinVar aggregate classification (germline): Conflicting classifications of pathogenicity. Review status: criteria provided, conflicting classifications (1 of 4 stars). 2 submissions from 2 submitters: Uncertain significance (1); Likely benign (1). Last evaluated 2026-09-24.

Conditions:
LRPAP1-related disorder. Also called: LRPAP1-related condition.

Allele frequency attached by ClinVar (database versions not stated): gnomAD 0.00010; TOPMed 0.00012; gnomAD exomes 0.00023; ExAC 0.00024.
gnomAD v4.1: 355 of 1,582,288 alleles (0.022%); highest among the groups gnomAD compares: Non-Finnish European, 0.027%; no homozygotes.

Submissions (2):

PreventionGenetics, part of Exact Sciences
Classification: Uncertain significance for LRPAP1-related condition. Last evaluated: 2026-09-24. Review status: criteria provided, single submitter. Criteria: ACMG Guidelines, 2015. Collection method: clinical testing. Allele origin: germline.
Comment: The LRPAP1 c.805C>T variant is predicted to result in the amino acid substitution p.Leu269Phe. To our knowledge, this variant has not been reported in the literature. This variant is present in 0.026% of alleles in individuals of European (Non-Finnish) descent in gnomAD. At this time, the clinical significance of this variant is uncertain due to the absence of conclusive functional and genetic evidence.

Ambry Genetics
Classification: Likely benign. Last evaluated: 2022-09-20. Review status: criteria provided, single submitter. Criteria: Ambry Variant Classification Scheme 2023. Collection method: clinical testing. Allele origin: germline.